The following is an entry in ClinVar:

NM_003500.4(ACOX2):c.334G>A (p.Gly112Arg)

Gene: ACOX2 (acyl-CoA oxidase 2; minus strand). Cytogenetic location: 3p14.3.
Variant type: single nucleotide variant.
Coding change: c.334G>A on transcript NM_003500.4 (MANE Select); coding-DNA position 334, G replaced by A.
Protein change: p.Gly112Arg; replaces glycine 112 with arginine.
Molecular consequence: missense variant.
Genome position (GRCh38, 1-based): chr3:58,534,135, C>T on the plus strand (G>A on the coding strand, the complement: ACOX2 is on the minus strand). VCF-style: chr3-58534135-C-T. GRCh37 (hg19) VCF-style: chr3-58519862-C-T.
Other names: short protein forms G112R.
Identifiers: ClinVar variation 2721078 (VCV002721078.3), dbSNP rs62621177, ClinGen allele CA2472438.

ClinVar aggregate classification (germline): Uncertain significance (1 of 4 stars; one submission).

Allele frequency attached by ClinVar (database versions not stated): gnomAD exomes below 0.00001; TOPMed below 0.00001; ExAC 0.00002.
gnomAD v4.1: 6 of 1,614,192 alleles (0.00037%); highest among the groups gnomAD compares: Non-Finnish European, 0.00051%; no homozygotes.

Submission:

Labcorp Genetics (formerly Invitae), Labcorp
Classification: Uncertain significance. Last evaluated: 2022-10-19. Review status: criteria provided, single submitter. Criteria: Invitae Variant Classification Sherloc (09022015). Collection method: clinical testing. Allele origin: germline.
Comment: In summary, the available evidence is currently insufficient to determine the role of this variant in disease. Therefore, it has been classified as a Variant of Uncertain Significance. Advanced modeling of protein sequence and biophysical properties (such as structural, functional, and spatial information, amino acid conservation, physicochemical variation, residue mobility, and thermodynamic stability) performed at Invitae indicates that this missense variant is not expected to disrupt ACOX2 protein function. This variant has not been reported in the literature in individuals affected with ACOX2-related conditions. This variant is present in population databases (rs62621177, gnomAD 0.004%). This sequence change replaces glycine, which is neutral and non-polar, with arginine, which is basic and polar, at codon 112 of the ACOX2 protein (p.Gly112Arg).